The following is an entry in ClinVar:

NM_001349206.2(LPIN1):c.2281C>T (p.Arg761Cys)

Gene: LPIN1 (lipin 1; plus strand). Cytogenetic location: 2p25.1.
Variant type: single nucleotide variant.
Coding change: c.2281C>T on transcript NM_001349206.2 (MANE Select); coding-DNA position 2281, C replaced by T.
Protein change: p.Arg761Cys; replaces arginine 761 with cysteine.
Molecular consequence: missense variant. On other transcripts: non-coding transcript variant (1).
Genome position (GRCh38, 1-based): chr2:11,815,119, C>T. VCF-style: chr2-11815119-C-T. GRCh37 (hg19) VCF-style: chr2-11955245-C-T.
Other names: c.2191C>T, p.Arg731Cys (NM_001261427.3); c.2428C>T, p.Arg810Cys (NM_001261428.3); c.2173C>T, p.Arg725Cys (NM_001349199.2, NM_145693.4); c.2251C>T, p.Arg751Cys (NM_001349200.2, NM_001349201.2); c.2278C>T, p.Arg760Cys (NM_001349202.2, NM_001349203.2); c.2281C>T, p.Arg761Cys (NM_001349204.2, NM_001349205.2); c.2371C>T, p.Arg791Cys (NM_001349207.2); c.2320C>T, p.Arg774Cys (NM_001349208.2); short protein forms R725C, R731C, R760C, R761C, R774C, R791C, R810C, R751C.
Identifiers: ClinVar variation 2725222 (VCV002725222.4), dbSNP rs768837921, ClinGen allele CA1534060.

ClinVar aggregate classification (germline): Conflicting classifications of pathogenicity. Review status: criteria provided, conflicting classifications (1 of 4 stars). 2 submissions from 2 submitters: Likely pathogenic (1); Uncertain significance (1). Last evaluated 2025-05-07.

Conditions:
Myoglobinuria, acute recurrent, autosomal recessive. Also called: Myoglobinuria, recurrent, autosomal recessive; MYOGLOBINURIA, FAMILIAL PAROXYSMAL PARALYTIC; RHABDOMYOLYSIS, ACUTE RECURRENT. Identifiers: Orphanet 99845, MedGen C1849386, MONDO:0009992, OMIM 268200.

Allele frequency attached by ClinVar (database versions not stated): gnomAD exomes 0.00001; ExAC 0.00002; gnomAD 0.00003; TOPMed 0.00003.
gnomAD v4.1: 20 of 1,614,012 alleles (0.0012%); highest among the groups gnomAD compares: African/African-American, 0.008%; no homozygotes.

Submissions (2):

Labcorp Genetics (formerly Invitae), Labcorp
Classification: Likely pathogenic. Last evaluated: 2025-05-07. Review status: criteria provided, single submitter. Criteria: Invitae Variant Classification Sherloc (09022015). Collection method: clinical testing. Allele origin: germline.
Comment: This sequence change replaces arginine, which is basic and polar, with cysteine, which is neutral and slightly polar, at codon 725 of the LPIN1 protein (p.Arg725Cys). This variant is present in population databases (rs768837921, gnomAD 0.008%). This missense change has been observed in individual(s) with acute recurrent myoglobinuria (PMID: 32410653). In at least one individual the data is consistent with being in trans (on the opposite chromosome) from a pathogenic variant. This variant is also known as p.Arg810Cys. ClinVar contains an entry for this variant (Variation ID: 2725222). Invitae Evidence Modeling of protein sequence and biophysical properties (such as structural, functional, and spatial information, amino acid conservation, physicochemical variation, residue mobility, and thermodynamic stability) indicates that this missense variant is expected to disrupt LPIN1 protein function with a positive predictive value of 80%. This variant disrupts the p.Arg725 amino acid residue in LPIN1. Other variant(s) that disrupt this residue have been determined to be pathogenic (PMID: 22481384, 25967228, 26909335). This suggests that this residue is clinically significant, and that variants that disrupt this residue are likely to be disease-causing. In summary, the currently available evidence indicates that the variant is pathogenic, but additional data are needed to prove that conclusively. Therefore, this variant has been classified as Likely Pathogenic.

Fulgent Genetics
Classification: Uncertain significance for Myoglobinuria, acute recurrent, autosomal recessive. Last evaluated: 2024-02-27. Review status: criteria provided, single submitter. Criteria: ACMG Guidelines, 2015. Collection method: clinical testing. Allele origin: germline.

Literature cited by the submitters: PubMed 32410653 (cited by Labcorp Genetics (formerly Invitae), Labcorp); PubMed 22481384 (cited by Labcorp Genetics (formerly Invitae), Labcorp); PubMed 25967228 (cited by Labcorp Genetics (formerly Invitae), Labcorp); PubMed 26909335 (cited by Labcorp Genetics (formerly Invitae), Labcorp).